The following is an entry in ClinVar:

ClinVar aggregate classification (germline): Pathogenic (1 of 4 stars; one submission).

Submission:

Labcorp Genetics (formerly Invitae), Labcorp
Classification: Pathogenic. Last evaluated: 2019-12-12. Review status: criteria provided, single submitter. Criteria: Invitae Variant Classification Sherloc (09022015). Collection method: clinical testing. Allele origin: germline.
Comment: For these reasons, this variant has been classified as Pathogenic. Loss-of-function variants in ABCB11 are known to be pathogenic (PMID: 18395098, 20232290). This variant has not been reported in the literature in individuals with ABCB11-related conditions. This variant is not present in population databases (ExAC no frequency). This sequence change creates a premature translational stop signal (p.Val552Leufs*8) in the ABCB11 gene. It is expected to result in an absent or disrupted protein product.

Literature cited by the submitters: PubMed 18395098; PubMed 20232290.

NM_003742.4(ABCB11):c.1654del (p.Val552fs)

Gene: ABCB11 (ATP binding cassette subfamily B member 11; minus strand). Cytogenetic location: 2q31.1.
Variant type: Deletion.
Coding change: c.1654del on transcript NM_003742.4 (MANE Select); coding-DNA position 1654, one base deleted (G; older notation c.1654delG).
Protein change: p.Val552fs; shifts the reading frame from valine 552.
Molecular consequence: frameshift variant.
Genome position (GRCh38, 1-based): chr2:168,970,200, C deleted on the plus strand (G on the coding strand, the reverse complement: ABCB11 is on the minus strand). VCF-style (leftmost placement, unchanged base first): chr2-168970199-AC-A. GRCh37 (hg19) VCF-style: chr2-169826709-AC-A.
Other names: short protein forms V552fs.
Identifiers: ClinVar variation 841658 (VCV000841658.8), dbSNP rs1693519718, ClinGen allele CA916082254.